The following is an entry in ClinVar:

NM_004006.3(DMD):c.2739del (p.Phe914fs)

Gene: DMD (dystrophin; minus strand). Cytogenetic location: Xp21.1.
Variant type: Deletion.
Coding change: c.2739del on transcript NM_004006.3 (MANE Select); coding-DNA position 2739, one base deleted (C; older notation c.2739delC).
Protein change: p.Phe914fs; shifts the reading frame from phenylalanine 914.
Molecular consequence: frameshift variant.
Genome position (GRCh38, 1-based): chrX:32,484,983, G deleted on the plus strand (C on the coding strand, the reverse complement: DMD is on the minus strand); the first of 2 consecutive G bases (chrX:32,484,983-32,484,984); deleting either gives the same sequence. VCF-style (leftmost placement, unchanged base first): chrX-32484982-AG-A. GRCh37 (hg19) VCF-style: chrX-32503099-AG-A.
Other names: c.2715del, p.Phe906fs (NM_000109.4); c.2727del, p.Phe910fs (NM_004009.3); c.2370del, p.Phe791fs (NM_004010.3); short protein forms F906fs, F914fs, F910fs, F791fs.
Identifiers: ClinVar variation 3659939 (VCV003659939.2).

ClinVar aggregate classification (germline): Pathogenic (1 of 4 stars; one submission).

Conditions:
Duchenne muscular dystrophy (DMD). Also called: MUSCULAR DYSTROPHY, PSEUDOHYPERTROPHIC PROGRESSIVE, DUCHENNE TYPE; Duchenne Muscular Dystrophy (DMD). Identifiers: Orphanet 98896, MedGen C0013264, MONDO:0010679, OMIM 310200.

Submission:

Labcorp Genetics (formerly Invitae), Labcorp
Classification: Pathogenic for Duchenne muscular dystrophy. Last evaluated: 2025-12-09. Review status: criteria provided, single submitter. Criteria: Invitae Variant Classification Sherloc (09022015). Collection method: clinical testing. Allele origin: germline.
Comment: This sequence change creates a premature translational stop signal (p.Phe914Leufs*35) in the DMD gene. It is expected to result in an absent or disrupted protein product. Loss-of-function variants in DMD are known to be pathogenic (PMID: 16770791, 25007885). This variant is not present in population databases (gnomAD no frequency). This variant has not been reported in the literature in individuals affected with DMD-related conditions. ClinVar contains an entry for this variant (Variation ID: 3659939). For these reasons, this variant has been classified as Pathogenic.

Literature cited by the submitters: PubMed 16770791; PubMed 25007885.